The following is an entry in ClinVar:

NM_001006658.3(CR2):c.2323+3A>G

Gene: CR2 (complement C3d receptor 2; plus strand). Cytogenetic location: 1q32.2.
Variant type: single nucleotide variant.
Coding change: c.2323+3A>G on transcript NM_001006658.3 (MANE Select); 3 bases into the intron after coding-DNA position 2323, A replaced by G.
Molecular consequence: intron variant.
Genome position (GRCh38, 1-based): chr1:207,474,326, A>G. VCF-style: chr1-207474326-A-G. GRCh37 (hg19) VCF-style: chr1-207647671-A-G.
Other names: c.2323+3A>G (NM_001006658.2); c.2146+3A>G (NM_001877.5).
Identifiers: ClinVar variation 2737777 (VCV002737777.3), dbSNP rs369880781, ClinGen allele CA1368950.

ClinVar aggregate classification (germline): Uncertain significance. Review status: criteria provided, single submitter (1 of 4 stars). 2 submissions from 2 submitters: Uncertain significance (1). 1 of the submissions does not count toward it. Last evaluated 2024-01-02.

Conditions:
Immunodeficiency, common variable, 7. Identifiers: Orphanet 1572, Orphanet 696894, MedGen C3542922, MONDO:0013862, OMIM 614699.
CR2-related disorder. Also called: CR2-related condition; CR2-related disorders.

Allele frequency attached by ClinVar (database versions not stated): ExAC 0.00002; gnomAD 0.00002; TOPMed 0.00003; gnomAD exomes 0.00006; ESP Exome Variant Server 0.00008.
gnomAD v4.1: 88 of 1,600,736 alleles (0.0055%); highest among the groups gnomAD compares: Non-Finnish European, 0.0068%; no homozygotes.

Submissions (2):

Labcorp Genetics (formerly Invitae), Labcorp
Classification: Uncertain significance for Immunodeficiency, common variable, 7. Last evaluated: 2024-01-02. Review status: criteria provided, single submitter. Criteria: Invitae Variant Classification Sherloc (09022015). Collection method: clinical testing. Allele origin: germline.
Comment: This sequence change falls in intron 13 of the CR2 gene. It does not directly change the encoded amino acid sequence of the CR2 protein. It affects a nucleotide within the consensus splice site. This variant is present in population databases (rs369880781, gnomAD 0.007%). This variant has not been reported in the literature in individuals affected with CR2-related conditions. Variants that disrupt the consensus splice site are a relatively common cause of aberrant splicing (PMID: 17576681, 9536098). Algorithms developed to predict the effect of sequence changes on RNA splicing suggest that this variant is not likely to affect RNA splicing. In summary, the available evidence is currently insufficient to determine the role of this variant in disease. Therefore, it has been classified as a Variant of Uncertain Significance.

PreventionGenetics, part of Exact Sciences
Classification: Likely benign for CR2-related condition. Last evaluated: 2019-03-04. Review status: no assertion criteria provided. Collection method: clinical testing. Allele origin: germline. Not counted in ClinVar's aggregate classification.
Comment: This variant is classified as likely benign based on ACMG/AMP sequence variant interpretation guidelines (Richards et al. 2015 PMID: 25741868, with internal and published modifications).

Literature cited by the submitters: PubMed 17576681 (cited by Labcorp Genetics (formerly Invitae), Labcorp); PubMed 9536098 (cited by Labcorp Genetics (formerly Invitae), Labcorp).